The following is an entry in ClinVar:

NM_001142864.4(PIEZO1):c.6250G>A (p.Gly2084Ser)

Gene: PIEZO1 (piezo type mechanosensitive ion channel component 1 (Er blood group); minus strand). Cytogenetic location: 16q24.3.
Variant type: single nucleotide variant.
Coding change: c.6250G>A on transcript NM_001142864.4 (MANE Select); coding-DNA position 6250, G replaced by A.
Protein change: p.Gly2084Ser; replaces glycine 2084 with serine.
Molecular consequence: missense variant.
Genome position (GRCh38, 1-based): chr16:88,719,875, C>T on the plus strand (G>A on the coding strand, the complement: PIEZO1 is on the minus strand). VCF-style: chr16-88719875-C-T. GRCh37 (hg19) VCF-style: chr16-88786283-C-T.
Other names: c.6250G>A (NM_001142864.3); c.4792G>A, p.Gly1598Ser (NM_014745.1); short protein forms G1598S, G2084S.
Identifiers: ClinVar variation 2316215 (VCV002316215.9), dbSNP rs966187471, ClinGen allele CA286409309.

ClinVar aggregate classification (germline): Uncertain significance. Review status: criteria provided, multiple submitters, no conflicts (2 of 4 stars). 5 submissions from 5 submitters: Uncertain significance (5). Last evaluated 2024-06-03.

Conditions:
PIEZO1-related disorder. Also called: PIEZO1-related condition; PIEZO1-Related Disorders.
Inborn genetic diseases. Identifiers: MedGen C0950123, MeSH D030342.
Dehydrated hereditary stomatocytosis with or without pseudohyperkalemia and/or perinatal edema (DHS1). Also called: Dehydrated hereditary stomatocytosis 1 with or without pseudohyperkalemia and/or perinatal edema; PSEUDOHYPERKALEMIA EDINBURGH; DEHYDRATED HEREDITARY STOMATOCYTOSIS AND PSEUDOHYPERKALEMIA; DEHYDRATED HEREDITARY STOMATOCYTOSIS WITH PSEUDOHYPERKALEMIA AND PERINATAL EDEMA; Pseudohyperkalemia, familial, 1, due to red cell leak. Identifiers: Orphanet 3202, MedGen C4551512, MONDO:0008689, OMIM 194380.

Allele frequency attached by ClinVar (database versions not stated): TOPMed 0.00003; gnomAD 0.00005; gnomAD exomes 0.00005.
gnomAD v4.1: 74 of 1,550,452 alleles (0.0048%); highest among the groups gnomAD compares: Non-Finnish European, 0.0061%; no homozygotes.

Submissions (5):

Revvity Omics, Revvity
Classification: Uncertain significance. Last evaluated: 2024-06-03. Review status: criteria provided, single submitter. Criteria: ACMG Guidelines, 2015. Collection method: clinical testing. Allele origin: germline.

New York Genome Center
Classification: Uncertain significance for Dehydrated hereditary stomatocytosis with or without pseudohyperkalemia and/or perinatal edema. Last evaluated: 2023-10-05. Review status: criteria provided, single submitter. Criteria: NYGC Assertion Criteria 2020. Collection method: clinical testing. Allele origin: inherited. Affected: yes. Observed: 1 variant allele, 1 heterozygote.
Comment: The c.6250G>A variant in PIEZO1 has not previously been reported in individuals with PIEZO1-related phenotypes; it has been deposited in ClinVar as Variant of Uncertain Significance by multiple submitters without affected status provided [ClinVar ID: 2316215]. The c.6250G>A variant is observed in 13 alleles (~% minor allele frequency with 0 homozygote) in population databases (gnomAD v2.1.1 and v3.1.2, TOPMed Freeze 8), suggesting it is not a common benign variant in the populations represented in those databases. The c.6250G>A variant in PIEZO1 is located in exon 43 of this 51-exon gene, and is predicted to replace an evolutionarily conserved glycine amino acid with serine at position 2084 (p.(Gly2084Ser)) in the encoded protein. In silico predictions are in favor of damaging effect for thep.(Gly2084Ser) variant [CADD v1.6 = 26.5, REVEL = 0.912]; however, there are no functional studies to support or refute these predictions. Based on available evidence this c.6250G>A p.(Gly2084Ser) variant identified in PIEZO1 is classified as Variant of Uncertain Significance.

PreventionGenetics, part of Exact Sciences
Classification: Uncertain significance for PIEZO1-related condition. Last evaluated: 2023-03-15. Review status: criteria provided, single submitter. Criteria: ACMG Guidelines, 2015. Collection method: clinical testing. Allele origin: germline.
Comment: The PIEZO1 c.6250G>A variant is predicted to result in the amino acid substitution p.Gly2084Ser. To our knowledge, this variant has not been reported in the literature. This variant is reported in 4 of ~185,000 alleles in gnomAD. At this time, the clinical significance of this variant is uncertain due to the absence of conclusive functional and genetic evidence.

Ambry Genetics
Classification: Uncertain significance for Inborn genetic diseases. Last evaluated: 2022-11-17. Review status: criteria provided, single submitter. Criteria: Ambry Variant Classification Scheme 2023. Collection method: clinical testing. Allele origin: germline.

ARUP Laboratories, Molecular Genetics and Genomics, ARUP Laboratories
Classification: Uncertain significance. Last evaluated: 2022-05-09. Review status: criteria provided, single submitter. Criteria: ARUP Molecular Germline Variant Investigation Process 2021. Collection method: clinical testing. Allele origin: germline.